The following is an entry in ClinVar:

NM_000428.3(LTBP2):c.2253_2254delinsAT (p.Pro752Ser)

Gene: LTBP2 (latent transforming growth factor beta binding protein 2; minus strand). Cytogenetic location: 14q24.3.
Variant type: Indel.
Coding change: c.2253_2254delinsAT on transcript NM_000428.3 (MANE Select); coding-DNA positions 2253 to 2254, GC replaced by AT.
Protein change: p.Pro752Ser; replaces proline 752 with serine.
Molecular consequence: missense variant.
Genome position (GRCh38, 1-based): chr14:74,528,597-74,528,598, GC replaced by AT on the plus strand (GC replaced by AT on the coding strand, the reverse complement: LTBP2 is on the minus strand). VCF-style: chr14-74528597-GC-AT. GRCh37 (hg19) VCF-style: chr14-74995300-GC-AT.
Other names: short protein forms P752S.
Identifiers: ClinVar variation 1482017 (VCV001482017.8), dbSNP rs2139718687, ClinGen allele CA2573150277.

ClinVar aggregate classification (germline): Uncertain significance (1 of 4 stars; one submission).

Submission:

Labcorp Genetics (formerly Invitae), Labcorp
Classification: Uncertain significance. Last evaluated: 2021-06-24. Review status: criteria provided, single submitter. Criteria: Invitae Variant Classification Sherloc (09022015). Collection method: clinical testing. Allele origin: germline.
Comment: This sequence change replaces proline with serine at codon 752 of the LTBP2 protein (p.Pro752Ser). The proline residue is highly conserved and there is a moderate physicochemical difference between proline and serine. The frequency data for this variant in the population databases is not available, as this variant may be reported as separate entries in the ExAC database. This variant has not been reported in the literature in individuals affected with LTBP2-related conditions. Experimental studies and prediction algorithms are not available or were not evaluated, and the functional significance of this variant is currently unknown. In summary, the available evidence is currently insufficient to determine the role of this variant in disease. Therefore, it has been classified as a Variant of Uncertain Significance.